The following is an entry in ClinVar:

NM_181552.4(CUX1):c.4251C>T (p.Pro1417=)

Gene: CUX1 (cut like homeobox 1; plus strand). Cytogenetic location: 7q22.1.
Variant type: single nucleotide variant.
Coding change: c.4251C>T on transcript NM_181552.4 (MANE Select); coding-DNA position 4251, C replaced by T.
Protein change: p.Pro1417=; no amino-acid change (proline 1417 retained).
Molecular consequence: synonymous variant. On other transcripts: intron variant (5).
Genome position (GRCh38, 1-based): chr7:102,248,775, C>T. VCF-style: chr7-102248775-C-T. GRCh37 (hg19) VCF-style: chr7-101892055-C-T.
Other names: c.4284C>T, p.Pro1428= (NM_001202543.2); c.1256-24591C>T (NM_001913.5); c.1250-24591C>T (NM_181500.4); c.1118-24591C>T (NM_001202545.3); c.1208-24591C>T (NM_001202544.3); c.1139-24591C>T (NM_001202546.3).
Identifiers: ClinVar variation 1695204 (VCV001695204.31), dbSNP rs868908604, ClinGen allele CA456931234.

ClinVar aggregate classification (germline): Likely benign (1 of 4 stars; one submission).

Allele frequency attached by ClinVar (database versions not stated): 1000 Genomes Project 30x 0.00031; gnomAD exomes 0.00050.

Submission:

CeGaT Center for Human Genetics Tuebingen
Classification: Likely benign. Last evaluated: 2024-07-01. Review status: criteria provided, single submitter. Criteria: CeGaT Center For Human Genetics Tuebingen Variant Classification Criteria Version 2. Collection method: clinical testing. Allele origin: germline. Affected: yes. Observed: 2 variant alleles.
Comment: CUX1: BP4, BP7